The following is an entry in ClinVar:

ClinVar aggregate classification (germline): Uncertain significance (1 of 4 stars; one submission).

Allele frequency attached by ClinVar (database versions not stated): gnomAD exomes below 0.00001 and 0.00001; ExAC 0.00001; gnomAD 0.00001; TOPMed 0.00002.
gnomAD v4.1: 4 of 1,614,016 alleles (0.00025%); highest among the groups gnomAD compares: Admixed American, 0.0017%; no homozygotes.

Submission:

Labcorp Genetics (formerly Invitae), Labcorp
Classification: Uncertain significance. Last evaluated: 2023-10-15. Review status: criteria provided, single submitter. Criteria: Invitae Variant Classification Sherloc (09022015). Collection method: clinical testing. Allele origin: germline.
Comment: This sequence change replaces arginine, which is basic and polar, with glutamine, which is neutral and polar, at codon 765 of the ERCC3 protein (p.Arg765Gln). This variant is present in population databases (rs771245959, gnomAD 0.003%). This variant has not been reported in the literature in individuals affected with ERCC3-related conditions. ClinVar contains an entry for this variant (Variation ID: 1359810). Advanced modeling of protein sequence and biophysical properties (such as structural, functional, and spatial information, amino acid conservation, physicochemical variation, residue mobility, and thermodynamic stability) performed at Invitae indicates that this missense variant is not expected to disrupt ERCC3 protein function. In summary, the available evidence is currently insufficient to determine the role of this variant in disease. Therefore, it has been classified as a Variant of Uncertain Significance.

NM_000122.2(ERCC3):c.2294G>A (p.Arg765Gln)

Gene: ERCC3 (ERCC excision repair 3, TFIIH core complex helicase subunit; minus strand). Cytogenetic location: 2q14.3.
Variant type: single nucleotide variant.
Coding change: c.2294G>A on transcript NM_000122.2 (MANE Select); coding-DNA position 2294, G replaced by A.
Protein change: p.Arg765Gln; replaces arginine 765 with glutamine.
Molecular consequence: missense variant.
Genome position (GRCh38, 1-based): chr2:127,257,651, C>T on the plus strand (G>A on the coding strand, the complement: ERCC3 is on the minus strand). VCF-style: chr2-127257651-C-T. GRCh37 (hg19) VCF-style: chr2-128015227-C-T.
Other names: c.2102G>A, p.Arg701Gln (NM_001303416.2, NM_001303418.2); short protein forms R701Q, R765Q.
Identifiers: ClinVar variation 1359810 (VCV001359810.7), dbSNP rs771245959, ClinGen allele CA1858012.